The following is an entry in ClinVar:

NM_012233.3(RAB3GAP1):c.521G>A (p.Arg174Gln)

Gene: RAB3GAP1 (RAB3 GTPase activating protein catalytic subunit 1; plus strand). Cytogenetic location: 2q21.3.
Variant type: single nucleotide variant.
Coding change: c.521G>A on transcript NM_012233.3 (MANE Select); coding-DNA position 521, G replaced by A.
Protein change: p.Arg174Gln; replaces arginine 174 with glutamine.
Molecular consequence: missense variant.
Genome position (GRCh38, 1-based): chr2:135,115,254, G>A. VCF-style: chr2-135115254-G-A. GRCh37 (hg19) VCF-style: chr2-135872824-G-A.
Other names: c.521G>A, p.Arg174Gln (NM_001172435.2); c.521G>A (NM_012233.2); short protein forms R174Q.
Identifiers: ClinVar variation 2063201 (VCV002063201.7), dbSNP rs771432170, ClinGen allele CA1884566.

ClinVar aggregate classification (germline): Uncertain significance. Review status: criteria provided, multiple submitters, no conflicts (2 of 4 stars). 3 submissions from 3 submitters: Uncertain significance (3). Last evaluated 2025-03-07.

Conditions:
Inborn genetic diseases. Identifiers: MedGen C0950123, MeSH D030342.

Allele frequency attached by ClinVar (database versions not stated): gnomAD exomes 0.00002; TOPMed 0.00002; gnomAD 0.00003; ExAC 0.00004.
gnomAD v4.1: 41 of 1,612,674 alleles (0.0025%); highest among the groups gnomAD compares: South Asian, 0.012%; no homozygotes.

Submissions (3):

Labcorp Genetics (formerly Invitae), Labcorp
Classification: Uncertain significance. Last evaluated: 2025-03-07. Review status: criteria provided, single submitter. Criteria: Invitae Variant Classification Sherloc (09022015). Collection method: clinical testing. Allele origin: germline.
Comment: This sequence change replaces arginine, which is basic and polar, with glutamine, which is neutral and polar, at codon 174 of the RAB3GAP1 protein (p.Arg174Gln). This variant is present in population databases (rs771432170, gnomAD 0.03%). This variant has not been reported in the literature in individuals affected with RAB3GAP1-related conditions. ClinVar contains an entry for this variant (Variation ID: 2063201). Invitae Evidence Modeling of protein sequence and biophysical properties (such as structural, functional, and spatial information, amino acid conservation, physicochemical variation, residue mobility, and thermodynamic stability) indicates that this missense variant is not expected to disrupt RAB3GAP1 protein function with a negative predictive value of 80%. Algorithms developed to predict the effect of sequence changes on RNA splicing suggest that this variant may disrupt the consensus splice site. In summary, the available evidence is currently insufficient to determine the role of this variant in disease. Therefore, it has been classified as a Variant of Uncertain Significance.

GeneDx
Classification: Uncertain significance. Last evaluated: 2023-12-29. Review status: criteria provided, single submitter. Criteria: GeneDx Variant Classification Process June 2021. Collection method: clinical testing. Allele origin: germline. Affected: yes.
Comment: In silico analysis supports that this missense variant does not alter protein structure/function; In silico analysis is inconclusive as to whether the variant alters gene splicing. In the absence of RNA/functional studies, the actual effect of this sequence change is unknown.; Has not been previously published as pathogenic or benign to our knowledge

Ambry Genetics
Classification: Uncertain significance for Inborn genetic diseases. Last evaluated: 2023-01-18. Review status: criteria provided, single submitter. Criteria: Ambry Variant Classification Scheme 2023. Collection method: clinical testing. Allele origin: germline.